The following is an entry in ClinVar:

ClinVar aggregate classification (germline): Pathogenic (1 of 4 stars; one submission).

Conditions:
Inborn genetic diseases. Identifiers: MedGen C0950123, MeSH D030342.

Submission:

Ambry Genetics
Classification: Pathogenic for Hereditary disease. Last evaluated: 2017-03-30. Review status: criteria provided, single submitter. Criteria: ambry_reporting_categories_2017. Collection method: clinical testing. Allele origin: germline. Affected: yes. Observed: 1 heterozygote. Segregation with disease observed.
Comment: Lines of evidence used in support of classification: UNCERTAIN: Alteration(s) of Uncertain Clinical Significance Detected

Literature cited by the submitters: PubMed 23178126; PubMed 22495306; PubMed 19131338; PubMed 27540107; PubMed 26795593.

NM_022095.4(ZNF335):c.757dup (p.Arg253fs)

Gene: ZNF335 (zinc finger protein 335; minus strand). Cytogenetic location: 20q13.12.
Variant type: Duplication.
Coding change: c.757dup on transcript NM_022095.4 (MANE Select); coding-DNA position 757, one base duplicated (C; older notation c.757dupC).
Protein change: p.Arg253fs; shifts the reading frame from arginine 253.
Molecular consequence: frameshift variant.
Genome position (GRCh38, 1-based): chr20:45,967,791, G duplicated on the plus strand (C on the coding strand, the reverse complement: ZNF335 is on the minus strand); the first of 2 consecutive G bases (chr20:45,967,791-45,967,792); duplicating either gives the same sequence. VCF-style (leftmost placement, unchanged base first): chr20-45967790-C-CG. GRCh37 (hg19) VCF-style: chr20-44596429-C-CG.
Other names: c.757dupC (NM_022095.3); short protein forms R253fs.
Identifiers: ClinVar variation 521497 (VCV000521497.3), dbSNP rs1555851216, ClinGen allele CA658799368.